The following is an entry in ClinVar:

NM_014704.4(CEP104):c.2137C>G (p.Gln713Glu)

Gene: CEP104 (centrosomal protein 104; minus strand). Cytogenetic location: 1p36.32.
Variant type: single nucleotide variant.
Coding change: c.2137C>G on transcript NM_014704.4 (MANE Select); coding-DNA position 2137, C replaced by G.
Protein change: p.Gln713Glu; replaces glutamine 713 with glutamic acid.
Molecular consequence: missense variant.
Genome position (GRCh38, 1-based): chr1:3,829,280, G>C on the plus strand (C>G on the coding strand, the complement: CEP104 is on the minus strand). VCF-style: chr1-3829280-G-C. GRCh37 (hg19) VCF-style: chr1-3745844-G-C.
Other names: short protein forms Q713E.
Identifiers: ClinVar variation 1505564 (VCV001505564.5), dbSNP rs1311531310, ClinGen allele CA338037972.

ClinVar aggregate classification (germline): Uncertain significance (1 of 4 stars; one submission).

Conditions:
Joubert syndrome 25 (JBTS25). Identifiers: Orphanet 475, MedGen C4084842, MONDO:0014770, OMIM 616781.

Allele frequency attached by ClinVar (database versions not stated): gnomAD exomes below 0.00001; TOPMed below 0.00001; gnomAD 0.00001.
gnomAD v4.1: 7 of 1,582,810 alleles (0.00044%); highest among the groups gnomAD compares: Non-Finnish European, 0.00051%; no homozygotes.

Submission:

Labcorp Genetics (formerly Invitae), Labcorp
Classification: Uncertain significance for Joubert syndrome 25. Last evaluated: 2024-06-17. Review status: criteria provided, single submitter. Criteria: Invitae Variant Classification Sherloc (09022015). Collection method: clinical testing. Allele origin: germline.
Comment: This sequence change replaces glutamine, which is neutral and polar, with glutamic acid, which is acidic and polar, at codon 713 of the CEP104 protein (p.Gln713Glu). This variant is present in population databases (no rsID available, gnomAD 0.001%). This variant has not been reported in the literature in individuals affected with CEP104-related conditions. ClinVar contains an entry for this variant (Variation ID: 1505564). Algorithms developed to predict the effect of missense changes on protein structure and function output the following: SIFT: "Not Available"; PolyPhen-2: "Benign"; Align-GVGD: "Not Available". The glutamic acid amino acid residue is found in multiple mammalian species, which suggests that this missense change does not adversely affect protein function. In summary, the available evidence is currently insufficient to determine the role of this variant in disease. Therefore, it has been classified as a Variant of Uncertain Significance.